The following is an entry in ClinVar:

NM_001130969.3(NSMF):c.1178G>A (p.Arg393Lys)

Gene: NSMF (NMDA receptor synaptonuclear signaling and neuronal migration factor; minus strand). Cytogenetic location: 9q34.3.
Variant type: single nucleotide variant.
Coding change: c.1178G>A on transcript NM_001130969.3 (MANE Select); coding-DNA position 1178, G replaced by A.
Protein change: p.Arg393Lys; replaces arginine 393 with lysine.
Molecular consequence: missense variant.
Genome position (GRCh38, 1-based): chr9:137,452,423, C>T on the plus strand (G>A on the coding strand, the complement: NSMF is on the minus strand). VCF-style: chr9-137452423-C-T. GRCh37 (hg19) VCF-style: chr9-140346875-C-T.
Other names: c.1109G>A, p.Arg370Lys (NM_001130970.2); c.1103G>A, p.Arg368Lys (NM_001130971.2); c.1088G>A, p.Arg363Lys (NM_001178064.2); c.1172G>A, p.Arg391Lys (NM_015537.5); short protein forms R363K, R368K, R370K, R391K, R393K.
Identifiers: ClinVar variation 1307222 (VCV001307222.4), dbSNP rs138291208, ClinGen allele CA5370131.

ClinVar aggregate classification (germline): Conflicting classifications of pathogenicity. Review status: criteria provided, conflicting classifications (1 of 4 stars). 2 submissions from 2 submitters: Uncertain significance (1); Likely benign (1). Last evaluated 2023-06-05.

Allele frequency attached by ClinVar (database versions not stated): gnomAD exomes 0.00008; ExAC 0.00012; 1000 Genomes Project 0.00020; 1000 Genomes Project 30x 0.00031; gnomAD 0.00033 and 0.00035; ESP Exome Variant Server 0.00038; TOPMed 0.00039.
gnomAD v4.1: 106 of 1,612,686 alleles (0.0066%); highest among the groups gnomAD compares: African/African-American, 0.12%; no homozygotes.

Submissions (2):

Ambry Genetics
Classification: Likely benign. Last evaluated: 2023-06-05. Review status: criteria provided, single submitter. Criteria: Ambry Variant Classification Scheme 2023. Collection method: clinical testing. Allele origin: germline.

GeneDx
Classification: Uncertain significance. Last evaluated: 2019-08-02. Review status: criteria provided, single submitter. Criteria: GeneDx Variant Classification Process June 2021. Collection method: clinical testing. Allele origin: germline. Affected: yes.
Comment: In silico analysis, which includes protein predictors and evolutionary conservation, supports that this variant does not alter protein structure/function; Has not been previously published as pathogenic or benign to our knowledge